The following is an entry in ClinVar:

NM_016008.4(DYNC2LI1):c.900+5A>G

Gene: DYNC2LI1 (dynein cytoplasmic 2 light intermediate chain 1; plus strand). Cytogenetic location: 2p21.
Variant type: single nucleotide variant.
Coding change: c.900+5A>G on transcript NM_016008.4 (MANE Select); 5 bases into the intron after coding-DNA position 900, A replaced by G.
Molecular consequence: intron variant.
Genome position (GRCh38, 1-based): chr2:43,804,744, A>G. VCF-style: chr2-43804744-A-G. GRCh37 (hg19) VCF-style: chr2-44031883-A-G.
Other names: c.903+5A>G (NM_001348913.2, NM_001193464.2); c.900+5A>G (NM_001348912.2).
Identifiers: ClinVar variation 1492347 (VCV001492347.6), dbSNP rs750384632, ClinGen allele CA1636047.

ClinVar aggregate classification (germline): Uncertain significance (1 of 4 stars; one submission).

gnomAD v4.1: 2 of 1,582,552 alleles (0.00013%); highest among the groups gnomAD compares: South Asian, 0.0012%; no homozygotes.

Submission:

Labcorp Genetics (formerly Invitae), Labcorp
Classification: Uncertain significance. Last evaluated: 2022-07-19. Review status: criteria provided, single submitter. Criteria: Invitae Variant Classification Sherloc (09022015). Collection method: clinical testing. Allele origin: germline.
Comment: This variant is present in population databases (rs750384632, gnomAD 0.004%). In summary, the available evidence is currently insufficient to determine the role of this variant in disease. Therefore, it has been classified as a Variant of Uncertain Significance. Variants that disrupt the consensus splice site are a relatively common cause of aberrant splicing (PMID: 17576681, 9536098). Algorithms developed to predict the effect of sequence changes on RNA splicing suggest that this variant is not likely to affect RNA splicing. ClinVar contains an entry for this variant (Variation ID: 1492347). This variant has not been reported in the literature in individuals affected with DYNC2LI1-related conditions. This sequence change falls in intron 11 of the DYNC2LI1 gene. It does not directly change the encoded amino acid sequence of the DYNC2LI1 protein. It affects a nucleotide within the consensus splice site.

Literature cited by the submitters: PubMed 17576681; PubMed 9536098.